The following is an entry in ClinVar:

NM_213599.3(ANO5):c.2236-21_2236-17del

Gene: ANO5 (anoctamin 5; plus strand). Cytogenetic location: 11p14.3.
Variant type: Deletion.
Coding change: c.2236-21_2236-17del on transcript NM_213599.3 (MANE Select); 21 bases into the intron before coding-DNA position 2236 through 17 bases into the intron before coding-DNA position 2236, 5 bases deleted (CTTTT; older notation c.2236-21_2236-17delCTTTT).
Molecular consequence: intron variant.
Genome position (GRCh38, 1-based): chr11:22,274,548-22,274,552, CTTTT deleted; deleting any 5 consecutive bases within chr11:22,274,547-22,274,552 gives the same sequence; the c. name uses the placement nearest the transcript's 3' end. VCF-style (leftmost placement, unchanged base first): chr11-22274546-CTCTTT-C. GRCh37 (hg19) VCF-style: chr11-22296092-CTCTTT-C.
Other names: c.2233-21_2233-17del (NM_001142649.2).
Identifiers: ClinVar variation 1634480 (VCV001634480.9), dbSNP rs762536132, ClinGen allele CA5923496.
Genomic context (GRCh38, chr11:22,274,546, plus strand): 5'-GGTACTGAGAGATGTACAAATCAGACATTATTAAAACTAAATTGGCAGCTGATGATCTTC[CTCTTT>C]TTTTTTTTATTCTTCAGGCCTTTATTGTTGCATTTACGTCAGACATCATTCCCCGTCTAG-3'

ClinVar aggregate classification (germline): Likely benign. Review status: reviewed by expert panel (3 of 4 stars). 2 submissions from 2 submitters: Likely benign (1). 1 of the submissions does not count toward it. Last evaluated 2025-01-09.

Conditions:
Gnathodiaphyseal dysplasia (GDD). Also called: GNATHODIAPHYSEAL SCLEROSIS; OSTEOGENESIS IMPERFECTA WITH UNUSUAL SKELETAL LESIONS. Identifiers: Orphanet 53697, MedGen C1833736, MONDO:0008151, OMIM 166260.
Autosomal recessive limb-girdle muscular dystrophy type 2L (LGMDR12). Also called: Limb-Girdle Muscular Dystrophy R12 Anoctamin-5-Related (LGMD-R12); Limb-girdle muscular dystrophy, type 2L; MUSCULAR DYSTROPHY, LIMB-GIRDLE, AUTOSOMAL RECESSIVE 12. Identifiers: Orphanet 206549, MedGen C1969785, MONDO:0012652, OMIM 611307.
Autosomal recessive limb-girdle muscular dystrophy. Identifiers: Orphanet 102015, MedGen C2931907, MONDO:0015152.

Submissions (2):

ClinGen Limb Girdle Muscular Dystrophy Variant Curation Expert Panel, ClinGen
Classification: Likely benign for Autosomal recessive limb-girdle muscular dystrophy. Last evaluated: 2025-01-09. Review status: reviewed by expert panel. Criteria: ClinGen LGMD VCEP ACMG Specifications ANO5 V1.0.0. Collection method: curation. Allele origin: germline. Inheritance: Autosomal recessive inheritance.
Comment: The NM_213599.3: c.2236-21_2236-17del variant in ANO5 is an intronic deletion. The filtering allele frequency for this variant is 0.001514 for the African/African American population in gnomAD v4.1.0 (the lower threshold of the 95% CI of 59/31020 exome chromosomes), which is greater than the ClinGen LGMD VCEP threshold of 0.001 for BS1, and therefore meets this criterion (BS1). The SpliceAI prediction score for this variant is 0, which is less than the VCEP threshold of 0.05 (BP4). Because this variant occurs in a splice region (+7/-21), BP7 is not applicable. In summary, this variant meets the criteria to be classified as Likely Benign for autosomal recessive limb girdle muscular dystrophy based on the ACMG/AMP criteria applied, as specified by the LGMD VCEP (LGMD VCEP specifications version 1.0.0; 01/09/2025): BS1, BP4.

Labcorp Genetics (formerly Invitae), Labcorp
Classification: Likely benign for Autosomal recessive limb-girdle muscular dystrophy type 2L; Gnathodiaphyseal dysplasia. Last evaluated: 2026-01-21. Review status: criteria provided, single submitter. Criteria: Invitae Variant Classification Sherloc (09022015). Collection method: clinical testing. Allele origin: germline. Not counted in ClinVar's aggregate classification.